The following is an entry in ClinVar:

ClinVar aggregate classification (germline): Uncertain significance (1 of 4 stars; one submission).

Conditions:
Aortic aneurysm, familial thoracic 4 (AAT4). Also called: AORTIC ANEURYSM/AORTIC DISSECTION AND PATENT DUCTUS ARTERIOSUS. Identifiers: MedGen C1851504, MONDO:0007568, OMIM 132900.

Submission:

Labcorp Genetics (formerly Invitae), Labcorp
Classification: Uncertain significance for Aortic aneurysm, familial thoracic 4. Last evaluated: 2024-12-23. Review status: criteria provided, single submitter. Criteria: Invitae Variant Classification Sherloc (09022015). Collection method: clinical testing. Allele origin: germline.
Comment: This sequence change replaces alanine, which is neutral and non-polar, with valine, which is neutral and non-polar, at codon 623 of the MYH11 protein (p.Ala623Val). This variant is not present in population databases (gnomAD no frequency). This variant has not been reported in the literature in individuals affected with MYH11-related conditions. ClinVar contains an entry for this variant (Variation ID: 2869791). Invitae Evidence Modeling of protein sequence and biophysical properties (such as structural, functional, and spatial information, amino acid conservation, physicochemical variation, residue mobility, and thermodynamic stability) indicates that this missense variant is not expected to disrupt MYH11 protein function with a negative predictive value of 95%. In summary, the available evidence is currently insufficient to determine the role of this variant in disease. Therefore, it has been classified as a Variant of Uncertain Significance.

NM_002474.3(MYH11):c.1847C>T (p.Ala616Val)

Gene: MYH11 (myosin heavy chain 11; minus strand). Cytogenetic location: 16p13.11.
Variant type: single nucleotide variant.
Coding change: c.1847C>T on transcript NM_002474.3 (MANE Select); coding-DNA position 1847, C replaced by T.
Protein change: p.Ala616Val; replaces alanine 616 with valine.
Molecular consequence: missense variant.
Genome position (GRCh38, 1-based): chr16:15,753,411, G>A on the plus strand (C>T on the coding strand, the complement: MYH11 is on the minus strand). VCF-style: chr16-15753411-G-A. GRCh37 (hg19) VCF-style: chr16-15847268-G-A.
Other names: c.1868C>T, p.Ala623Val (NM_001040113.2, NM_001040114.2); c.1847C>T, p.Ala616Val (NM_022844.3); short protein forms A616V, A623V.
Identifiers: ClinVar variation 2869791 (VCV002869791.2), dbSNP rs140688587, ClinGen allele CA394869289.